The following is an entry in ClinVar:

ClinVar aggregate classification (germline): Uncertain significance (1 of 4 stars; one submission).

Conditions:
Malignant hyperthermia, susceptibility to, 1 (MHS1). Also called: Anesthesia related hyperthermia; Malignant hyperpyrexia; Fulminating hyperpyrexia; Pharmacogenic myopathy; Malignant hyperthermia suceptibility 1; RYR1-Related Malignant Hyperthermia Susceptibility. Identifiers: Orphanet 423, MedGen C2930980, MONDO:0007783, OMIM 145600.

gnomAD v4.1: 1 of 1,613,974 alleles (0.000062%); no homozygotes.

Submission:

All of Us Research Program, National Institutes of Health
Classification: Uncertain significance for Malignant hyperthermia, susceptibility to, 1. Last evaluated: 2024-06-09. Review status: criteria provided, single submitter. Criteria: ACMG Guidelines, 2015. Collection method: clinical testing. Allele origin: germline. Inheritance: Autosomal dominant inheritance. Observed: 1 variant allele, 1 heterozygote.
Comment: This variant changes 1 nucleotide in exon 103 of the RYR1 gene, creating a premature translation stop signal. This variant is expected to result in an absent or non-functional protein product. To our knowledge, this variant has not been reported in individuals affected with RYR1-related disorders in the literature. This variant has not been identified in the general population by the Genome Aggregation Database (gnomAD). Loss of RYR1 function due to truncating variants is not an established disease mechanism for autosomal dominant malignant hyperthermia, although it is associated with other phenotype(s). Due to insufficient evidence, this variant is classified as a Variant of Uncertain Significance for autosomal dominant malignant hyperthermia.

This study involves interpretation of variants in research participants for the purpose of population health screening. Participant phenotype was not available at the time of variant classification. Additional details can be found in publication PMID: 35346344, PMCID: PMC8962531

NM_000540.3(RYR1):c.14842C>T (p.Gln4948Ter)

Gene: RYR1 (ryanodine receptor 1; plus strand). Cytogenetic location: 19q13.2.
Variant type: single nucleotide variant.
Coding change: c.14842C>T on transcript NM_000540.3 (MANE Select); coding-DNA position 14842, C replaced by T.
Protein change: p.Gln4948Ter; replaces glutamine 4948 with a stop codon.
Molecular consequence: nonsense.
Genome position (GRCh38, 1-based): chr19:38,585,976, C>T. VCF-style: chr19-38585976-C-T. GRCh37 (hg19) VCF-style: chr19-39076616-C-T.
Other names: c.14827C>T, p.Gln4943Ter (NM_001042723.2); short protein forms Q4943*, Q4948*.
Identifiers: ClinVar variation 3385634 (VCV003385634.1).